The following is an entry in ClinVar:

ClinVar aggregate classification (germline): Uncertain significance (1 of 4 stars; one submission).

Conditions:
TRIM63-related disorder. Also called: TRIM63-related condition.

Submission:

PreventionGenetics, part of Exact Sciences
Classification: Uncertain significance for TRIM63-related condition. Last evaluated: 2026-05-12. Review status: criteria provided, single submitter. Criteria: ACMG Guidelines, 2015. Collection method: clinical testing. Allele origin: germline.
Comment: The TRIM63 c.2T>G variant is predicted to disrupt the translation initiation site (Start Loss). To our knowledge, this variant has not been reported in the literature or in a large population database (gnomAD), indicating this variant is rare. Initiation codon variants in this gene have not been reported in the literature, and multiple in-frame methionines (Met) occur downstream of this variant in exon 1 (p.Met14 and p.Met29). If utilized, these may reinitiate translation. Although we suspect that this variant may be pathogenic, at this time, the clinical significance of this variant is uncertain due to the absence of conclusive functional and genetic evidence.

NM_032588.4(TRIM63):c.2T>G (p.Met1Arg)

Gene: TRIM63 (tripartite motif containing 63; minus strand). Cytogenetic location: 1p36.11.
Variant type: single nucleotide variant.
Coding change: c.2T>G on transcript NM_032588.4 (MANE Select); coding-DNA position 2, T replaced by G.
Protein change: p.Met1Arg; changes the start codon (methionine 1).
Molecular consequence: missense variant, initiator codon variant.
Genome position (GRCh38, 1-based): chr1:26,067,493, A>C on the plus strand (T>G on the coding strand, the complement: TRIM63 is on the minus strand). VCF-style: chr1-26067493-A-C. GRCh37 (hg19) VCF-style: chr1-26393984-A-C.
Other names: short protein forms M1R.
Identifiers: ClinVar variation 4985146 (VCV004985146.1).